The following is an entry in ClinVar:

ClinVar aggregate classification (germline): Uncertain significance. Review status: criteria provided, multiple submitters, no conflicts (2 of 4 stars). 2 submissions from 2 submitters: Uncertain significance (2). Last evaluated 2024-10-25.

Allele frequency attached by ClinVar (database versions not stated): gnomAD exomes 0.00004; ExAC 0.00005; gnomAD 0.00005; TOPMed 0.00006; ESP Exome Variant Server 0.00023.

Submissions (2):

Labcorp Genetics (formerly Invitae), Labcorp
Classification: Uncertain significance. Last evaluated: 2024-10-25. Review status: criteria provided, single submitter. Criteria: Invitae Variant Classification Sherloc (09022015). Collection method: clinical testing. Allele origin: germline.
Comment: This sequence change replaces arginine, which is basic and polar, with histidine, which is basic and polar, at codon 513 of the ADGRE2 protein (p.Arg513His). This variant is present in population databases (rs144104308, gnomAD 0.02%). This variant has not been reported in the literature in individuals affected with ADGRE2-related conditions. ClinVar contains an entry for this variant (Variation ID: 2190919). An algorithm developed to predict the effect of missense changes on protein structure and function outputs the following: PolyPhen-2: "Benign". The histidine amino acid residue is found in multiple mammalian species, which suggests that this missense change does not adversely affect protein function. In summary, the available evidence is currently insufficient to determine the role of this variant in disease. Therefore, it has been classified as a Variant of Uncertain Significance.

Ambry Genetics
Classification: Uncertain significance. Last evaluated: 2023-06-07. Review status: criteria provided, single submitter. Criteria: Ambry Variant Classification Scheme 2023. Collection method: clinical testing. Allele origin: germline.

NM_013447.4(ADGRE2):c.1538G>A (p.Arg513His)

Gene: ADGRE2 (adhesion G protein-coupled receptor E2; minus strand). Cytogenetic location: 19p13.12.
Variant type: single nucleotide variant.
Coding change: c.1538G>A on transcript NM_013447.4 (MANE Select); coding-DNA position 1538, G replaced by A.
Protein change: p.Arg513His; replaces arginine 513 with histidine.
Molecular consequence: missense variant. On other transcripts: intron variant (1).
Genome position (GRCh38, 1-based): chr19:14,755,006, C>T on the plus strand (G>A on the coding strand, the complement: ADGRE2 is on the minus strand). VCF-style: chr19-14755006-C-T. GRCh37 (hg19) VCF-style: chr19-14865818-C-T.
Other names: c.1538G>A (NM_013447.2); c.1391G>A, p.Arg464His (NM_152916.2); c.1259G>A, p.Arg420His (NM_152917.2); c.1416+648G>A (NM_001271052.1); short protein forms R464H, R513H, R420H.
Identifiers: ClinVar variation 2190919 (VCV002190919.6), dbSNP rs144104308, ClinGen allele CA9257686.